The following is an entry in ClinVar:

ClinVar aggregate classification (germline): Likely benign (1 of 4 stars; one submission).

Allele frequency attached by ClinVar (database versions not stated): ExAC 0.00001; gnomAD 0.00003; TOPMed 0.00004.
gnomAD v4.1: 32 of 1,569,924 alleles (0.002%); highest among the groups gnomAD compares: East Asian, 0.015%; no homozygotes.

Submission:

CeGaT Center for Human Genetics Tuebingen
Classification: Likely benign. Last evaluated: 2022-10-01. Review status: criteria provided, single submitter. Criteria: CeGaT Center For Human Genetics Tuebingen Variant Classification Criteria Version 2. Collection method: clinical testing. Allele origin: germline. Affected: yes. Observed: 1 variant allele.
Comment: NLRP9: BP4, BP7

NM_176820.4(NLRP9):c.2943C>T (p.Asp981=)

Genes: EPN1 (epsin 1; plus strand), NLRP9 (NLR family pyrin domain containing 9; minus strand). Cytogenetic location: 19q13.42.
Variant type: single nucleotide variant.
Coding change: c.2943C>T on transcript NM_176820.4 (MANE Select); coding-DNA position 2943, C replaced by T.
Protein change: p.Asp981=; no amino-acid change (aspartic acid 981 retained).
Molecular consequence: synonymous variant. On other transcripts: 3 prime UTR variant (4).
Genome position (GRCh38, 1-based): chr19:55,708,945, G>A on the plus strand (C>T on the coding strand, the complement: NLRP9 is on the minus strand). VCF-style: chr19-55708945-G-A. GRCh37 (hg19) VCF-style: chr19-56220311-G-A.
Other names: c.*13589G>A (NM_001130071.2, NM_001130072.2, NM_001321263.2 and 1 more transcripts).
Identifiers: ClinVar variation 2650541 (VCV002650541.24), dbSNP rs753356427, ClinGen allele CA9680158.
Genomic context (GRCh38, chr19:55,708,945, plus strand): 5'-GAGACGACTACTTCAGGGTGTTCCCCATCAGAGGAGCACACCCCTGATCTTGTATTCCTC[G>A]TCAATCCAAGGTCCATGTGAAATGGTCAGATGGGGAATTTTTTCTTCCACAGACATCAGG-3'
Protein context (NP_789790.2, residues 971-991): HLTISHGPWI[Asp981=]EEYKIRGVLL